The following is an entry in ClinVar:

NC_000010.10:g.(?_75936631)_(76468203_?)del

Gene: ADK (adenosine kinase; plus strand). Cytogenetic location: 10q22.2.
Variant type: Deletion.
Identifiers: ClinVar variation 2423733 (VCV002423733.3).

ClinVar aggregate classification (germline): Pathogenic (1 of 4 stars; one submission).

Submission:

Labcorp Genetics (formerly Invitae), Labcorp
Classification: Pathogenic. Last evaluated: 2022-08-26. Review status: criteria provided, single submitter. Criteria: Invitae Variant Classification Sherloc (09022015). Collection method: clinical testing. Allele origin: germline.
Comment: A gross deletion of the genomic region encompassing the full coding sequence of the ADK gene has been identified. Loss-of-function variants in ADK are known to be pathogenic (PMID: 26642971). The boundaries of this event are unknown as they extend beyond the assayed region for this gene and therefore may encompass additional genes. This variant has not been reported in the literature in individuals affected with ADK-related conditions. For these reasons, this variant has been classified as Pathogenic.

Literature cited by the submitters: PubMed 26642971.